The following is an entry in ClinVar:

NM_001372044.2(SHANK3):c.2638_2639del (p.Asp880fs)

Gene: SHANK3 (SH3 and multiple ankyrin repeat domains 3; plus strand). Cytogenetic location: 22q13.33.
Variant type: Deletion.
Coding change: c.2638_2639del on transcript NM_001372044.2 (MANE Select); coding-DNA positions 2638 to 2639, 2 bases deleted (GA; older notation c.2638_2639delGA).
Protein change: p.Asp880fs; shifts the reading frame from aspartic acid 880.
Molecular consequence: frameshift variant.
Genome position (GRCh38, 1-based): chr22:50,720,246-50,720,247, GA deleted; deleting any 2 consecutive bases within chr22:50,720,245-50,720,247 gives the same sequence; the c. name uses the placement nearest the transcript's 3' end. VCF-style (leftmost placement, unchanged base first): chr22-50720244-AAG-A. GRCh37 (hg19) VCF-style: chr22-51158672-AAG-A.
Other names: c.2637_2638del (NM_001372044.2); short protein forms D880fs.
Identifiers: ClinVar variation 4077417 (VCV004077417.1).

ClinVar aggregate classification (germline): Pathogenic (1 of 4 stars; one submission).

Conditions:
Phelan-McDermid syndrome. Also called: TELOMERIC 22q13 MONOSOMY SYNDROME; 22q13.3 deletion syndrome; Phelan-McDermid Syndrome-SHANK3 Related. Identifiers: Orphanet 48652, MedGen C1853490, MONDO:0011652, OMIM 606232.

Submission:

Centre for Human Genetics, University of Kinshasa
Classification: Pathogenic for Phelan-McDermid syndrome. Review status: criteria provided, single submitter. Criteria: ACMG Guidelines, 2015. Collection method: research. Allele origin: unknown. Inheritance: Autosomal dominant inheritance. Affected: yes.
Comment: This variant is in SHANK3 and associated with Phelan-McDermid. The father was not available for testing. This two-base deletion is predicted to cause frameshift and create a premature stop codon in a gene in which LoF is a known mechanism of pathogenicity for the condition. The variant is absent from both gnomAD and ClinVar. We classified this variant as Pathogenic following the ACMG classification guidelines based on PM2, PVS1 criteria. The posterior probability score of pathogenicity of 0.994.

Literature cited by the submitters: PubMed 29300386.